The following is an entry in ClinVar:

ClinVar aggregate classification (germline): Uncertain significance (1 of 4 stars; one submission).

Allele frequency attached by ClinVar (database versions not stated): gnomAD exomes below 0.00001; TOPMed below 0.00001; gnomAD 0.00001.
gnomAD v4.1: 2 of 1,614,014 alleles (0.00012%); highest among the groups gnomAD compares: Non-Finnish European, 0.00017%; no homozygotes.

Submission:

Labcorp Genetics (formerly Invitae), Labcorp
Classification: Uncertain significance. Last evaluated: 2025-04-26. Review status: criteria provided, single submitter. Criteria: Invitae Variant Classification Sherloc (09022015). Collection method: clinical testing. Allele origin: germline.
Comment: This sequence change replaces asparagine, which is neutral and polar, with histidine, which is basic and polar, at codon 818 of the KIDINS220 protein (p.Asn818His). This variant is not present in population databases (gnomAD no frequency). This variant has not been reported in the literature in individuals affected with KIDINS220-related conditions. ClinVar contains an entry for this variant (Variation ID: 2175932). An algorithm developed to predict the effect of missense changes on protein structure and function (PolyPhen-2) suggests that this variant is likely to be disruptive. In summary, the available evidence is currently insufficient to determine the role of this variant in disease. Therefore, it has been classified as a Variant of Uncertain Significance.

NM_020738.4(KIDINS220):c.2452A>C (p.Asn818His)

Gene: KIDINS220 (kinase D interacting substrate 220; minus strand). Cytogenetic location: 2p25.1.
Variant type: single nucleotide variant.
Coding change: c.2452A>C on transcript NM_020738.4 (MANE Select); coding-DNA position 2452, A replaced by C.
Protein change: p.Asn818His; replaces asparagine 818 with histidine.
Molecular consequence: missense variant. On other transcripts: non-coding transcript variant (2).
Genome position (GRCh38, 1-based): chr2:8,779,058, T>G on the plus strand (A>C on the coding strand, the complement: KIDINS220 is on the minus strand). VCF-style: chr2-8779058-T-G. GRCh37 (hg19) VCF-style: chr2-8919188-T-G.
Other names: c.2455A>C, p.Asn819His (NM_001348729.2, NM_001348731.2, NM_001348734.2 and 3 more transcripts); c.2452A>C, p.Asn818His (NM_001348732.2, NM_001348735.2, NM_001348738.2 and 3 more transcripts); c.2326A>C, p.Asn776His (NM_001348736.2); short protein forms N818H, N819H, N776H.
Identifiers: ClinVar variation 2175932 (VCV002175932.4), dbSNP rs1671350036, ClinGen allele CA345760154.